The following is an entry in ClinVar:

NM_031844.3(HNRNPU):c.1271A>G (p.Asn424Ser)

Gene: HNRNPU (heterogeneous nuclear ribonucleoprotein U; minus strand). Cytogenetic location: 1q44.
Variant type: single nucleotide variant.
Coding change: c.1271A>G on transcript NM_031844.3 (MANE Select); coding-DNA position 1271, A replaced by G.
Protein change: p.Asn424Ser; replaces asparagine 424 with serine.
Molecular consequence: missense variant.
Genome position (GRCh38, 1-based): chr1:244,858,234, T>C on the plus strand (A>G on the coding strand, the complement: HNRNPU is on the minus strand). VCF-style: chr1-244858234-T-C. GRCh37 (hg19) VCF-style: chr1-245021536-T-C.
Other names: c.1271A>G (NM_031844.2); c.1214A>G, p.Asn405Ser (NM_004501.3); short protein forms N405S, N424S.
Identifiers: ClinVar variation 2413567 (VCV002413567.8), dbSNP rs753256595, ClinGen allele CA1486492.

ClinVar aggregate classification (germline): Conflicting classifications of pathogenicity. Review status: criteria provided, conflicting classifications (1 of 4 stars). 3 submissions from 3 submitters: Uncertain significance (1); Likely benign (2). Last evaluated 2025-11-12.

Conditions:
Inborn genetic diseases. Identifiers: MedGen C0950123, MeSH D030342.
Developmental and epileptic encephalopathy, 54. Also called: HNRNPU-Related Neurodevelopmental Disorder; Epileptic encephalopathy, early infantile, 54. Identifiers: MedGen C4479319, MONDO:0033363, OMIM 617391.

Allele frequency attached by ClinVar (database versions not stated): gnomAD exomes 0.00001; ExAC 0.00002.
gnomAD v4.1: 16 of 1,614,038 alleles (0.00099%); highest among the groups gnomAD compares: South Asian, 0.018%; no homozygotes.

Submissions (3):

Labcorp Genetics (formerly Invitae), Labcorp
Classification: Likely benign for Developmental and epileptic encephalopathy, 54. Last evaluated: 2025-11-12. Review status: criteria provided, single submitter. Criteria: Invitae Variant Classification Sherloc (09022015). Collection method: clinical testing. Allele origin: germline.

Ambry Genetics
Classification: Likely benign for Inborn genetic diseases. Last evaluated: 2024-09-03. Review status: criteria provided, single submitter. Criteria: Ambry Variant Classification Scheme 2023. Collection method: clinical testing. Allele origin: germline.

Neuberg Centre For Genomic Medicine, NCGM
Classification: Uncertain significance for Developmental and epileptic encephalopathy, 54. Review status: criteria provided, single submitter. Criteria: ACMG Guidelines, 2015. Collection method: clinical testing. Allele origin: germline. Inheritance: Autosomal dominant inheritance. Affected: yes.
Comment: The missense c.1271A>G p.Asn424Ser variant in HNRNPU gene has not been reported previously as a pathogenic variant nor as a benign variant, to our knowledge. The p.Asn424Ser variant is reported with allele frequency of 0.002% in gnomAD Exomes and is novel not in any individuals in 1000 Genomes database. This variant has been reported to the ClinVar database as Uncertain Significance. The amino acid change p.Asn424Ser in HNRNPU is predicted as conserved by GERP++ and PhyloP across 100 vertebrates. The amino acid Asn at position 424 is changed to a Ser changing protein sequence and it might alter its composition and physico-chemical properties. For these reasons, this variant has been classified as a Variant of Uncertain Significance VUS.